The following is an entry in ClinVar:

ClinVar aggregate classification (germline): Uncertain significance. Review status: criteria provided, multiple submitters, no conflicts (2 of 4 stars). 2 submissions from 2 submitters: Uncertain significance (2). Last evaluated 2024-11-08.

Conditions:
Inborn genetic diseases. Identifiers: MedGen C0950123, MeSH D030342.

Allele frequency attached by ClinVar (database versions not stated): gnomAD 0.00001; TOPMed 0.00003.
gnomAD v4.1: 2 of 1,614,116 alleles (0.00012%); highest among the groups gnomAD compares: Admixed American, 0.0033%; no homozygotes.

Submissions (2):

Ambry Genetics
Classification: Uncertain significance for Inborn genetic diseases. Last evaluated: 2024-11-08. Review status: criteria provided, single submitter. Criteria: Ambry Variant Classification Scheme 2023. Collection method: clinical testing. Allele origin: germline.

Labcorp Genetics (formerly Invitae), Labcorp
Classification: Uncertain significance. Last evaluated: 2022-05-11. Review status: criteria provided, single submitter. Criteria: Invitae Variant Classification Sherloc (09022015). Collection method: clinical testing. Allele origin: germline.
Comment: This sequence change replaces glutamic acid, which is acidic and polar, with aspartic acid, which is acidic and polar, at codon 506 of the PTPN23 protein (p.Glu506Asp). This variant is not present in population databases (gnomAD no frequency). This variant has not been reported in the literature in individuals affected with PTPN23-related conditions. Algorithms developed to predict the effect of missense changes on protein structure and function are either unavailable or do not agree on the potential impact of this missense change (SIFT: "Tolerated"; PolyPhen-2: "Not Available"; Align-GVGD: "Class C0"). In summary, the available evidence is currently insufficient to determine the role of this variant in disease. Therefore, it has been classified as a Variant of Uncertain Significance.

NM_015466.4(PTPN23):c.1518G>T (p.Glu506Asp)

Gene: PTPN23 (protein tyrosine phosphatase non-receptor type 23; plus strand). Cytogenetic location: 3p21.31.
Variant type: single nucleotide variant.
Coding change: c.1518G>T on transcript NM_015466.4 (MANE Select); coding-DNA position 1518, G replaced by T.
Protein change: p.Glu506Asp; replaces glutamic acid 506 with aspartic acid.
Molecular consequence: missense variant.
Genome position (GRCh38, 1-based): chr3:47,408,963, G>T. VCF-style: chr3-47408963-G-T. GRCh37 (hg19) VCF-style: chr3-47450453-G-T.
Other names: c.1140G>T, p.Glu380Asp (NM_001304482.2); c.1518G>T (NM_015466.2); short protein forms E506D, E380D.
Identifiers: ClinVar variation 2114630 (VCV002114630.2), dbSNP rs1705196971, ClinGen allele CA352554107.